The following is an entry in ClinVar:

NM_003590.5(CUL3):c.116dup (p.Asn39fs)

Gene: CUL3 (cullin 3; minus strand). Cytogenetic location: 2q36.2.
Variant type: Duplication.
Coding change: c.116dup on transcript NM_003590.5 (MANE Select); coding-DNA position 116, one base duplicated (A; older notation c.116dupA).
Protein change: p.Asn39fs; shifts the reading frame from asparagine 39.
Molecular consequence: frameshift variant. On other transcripts: intron variant (1).
Genome position (GRCh38, 1-based): chr2:224,557,807, T duplicated on the plus strand (A on the coding strand, the reverse complement: CUL3 is on the minus strand); the first of 5 consecutive T bases (chr2:224,557,807-224,557,811); duplicating any one gives the same sequence. VCF-style (leftmost placement, unchanged base first): chr2-224557806-A-AT. GRCh37 (hg19) VCF-style: chr2-225422523-A-AT.
Other names: c.116dupA (NM_003590.4); c.134dup, p.Asn45fs (NM_001257198.2); c.67-22166dup (NM_001257197.2); short protein forms N39fs, N45fs.
Identifiers: ClinVar variation 452962 (VCV000452962.2), dbSNP rs1553535855, ClinGen allele CA658657244.

ClinVar aggregate classification (germline): Uncertain significance (1 of 4 stars; one submission).

Submission:

GeneDx
Classification: Uncertain significance. Last evaluated: 2017-10-16. Review status: criteria provided, single submitter. Criteria: GeneDx Variant Classification (06012015). Collection method: clinical testing. Allele origin: germline. Affected: yes.
Comment: The c.116dupA variant in the CUL3 gene has not been reported previously as a pathogenic variant nor as a benign variant, to our knowledge. The c.116dupA variant causes a frameshift starting with codon Asparagine 39, changes this amino acid to a Lysine residue, and creates a premature Stop codon at position 9 of the new reading frame, denoted p.Asn39LysfsX9. This variant is predicted to cause loss of normal protein function either through protein truncation or nonsense-mediated mRNA decay. The c.116dupA variant is not observed in large population cohorts (Lek et al., 2016). We interpret c.116dupA as a variant of uncertain significance.